The following is an entry in ClinVar:

ClinVar aggregate classification (germline): Uncertain significance (1 of 4 stars; one submission).

gnomAD v4.1: 7 of 1,604,040 alleles (0.00044%); highest among the groups gnomAD compares: Non-Finnish European, 0.00051%; no homozygotes.

Submission:

Labcorp Genetics (formerly Invitae), Labcorp
Classification: Uncertain significance. Last evaluated: 2024-02-14. Review status: criteria provided, single submitter. Criteria: Invitae Variant Classification Sherloc (09022015). Collection method: clinical testing. Allele origin: germline.
Comment: This sequence change replaces leucine, which is neutral and non-polar, with valine, which is neutral and non-polar, at codon 341 of the KLF10 protein (p.Leu341Val). This variant is not present in population databases (gnomAD no frequency). This variant has not been reported in the literature in individuals affected with KLF10-related conditions. An algorithm developed to predict the effect of missense changes on protein structure and function (PolyPhen-2) suggests that this variant is likely to be disruptive. In summary, the available evidence is currently insufficient to determine the role of this variant in disease. Therefore, it has been classified as a Variant of Uncertain Significance.

NM_005655.4(KLF10):c.1021C>G (p.Leu341Val)

Gene: KLF10 (KLF transcription factor 10; minus strand). Cytogenetic location: 8q22.3.
Variant type: single nucleotide variant.
Coding change: c.1021C>G on transcript NM_005655.4 (MANE Select); coding-DNA position 1021, C replaced by G.
Protein change: p.Leu341Val; replaces leucine 341 with valine.
Molecular consequence: missense variant.
Genome position (GRCh38, 1-based): chr8:102,651,311, G>C on the plus strand (C>G on the coding strand, the complement: KLF10 is on the minus strand). VCF-style: chr8-102651311-G-C. GRCh37 (hg19) VCF-style: chr8-103663539-G-C.
Other names: c.988C>G, p.Leu330Val (NM_001032282.4); short protein forms L330V, L341V.
Identifiers: ClinVar variation 2983021 (VCV002983021.3), dbSNP rs2537070114, ClinGen allele CA371624357.